The following is an entry in ClinVar:

NM_015166.4(MLC1):c.*937C>T

Gene: MLC1 (modulator of VRAC current 1; minus strand). Cytogenetic location: 22q13.33.
Variant type: single nucleotide variant.
Coding change: c.*937C>T on transcript NM_015166.4 (MANE Select); 937 bases downstream of the stop codon, C replaced by T.
Molecular consequence: 3 prime UTR variant. On other transcripts: intron variant (2).
Genome position (GRCh38, 1-based): chr22:50,060,646, G>A on the plus strand (C>T on the coding strand, the complement: MLC1 is on the minus strand). VCF-style: chr22-50060646-G-A. GRCh37 (hg19) VCF-style: chr22-50499075-G-A.
Other names: c.*937C>T (NM_001376472.1, NM_001376473.1, NM_001376474.1 and 9 more transcripts); c.*46-494C>T (NM_001376478.1, NM_001376477.1).
Identifiers: ClinVar variation 342089 (VCV000342089.6), dbSNP rs41283491, ClinGen allele CA10654196.

ClinVar aggregate classification (germline): Benign. Review status: criteria provided, multiple submitters, no conflicts (2 of 4 stars). 2 submissions from 2 submitters: Benign (2). Last evaluated 2018-01-12.

Conditions:
Megalencephalic leukoencephalopathy with subcortical cysts 1 (MLC1). Also called: LEUKOENCEPHALOPATHY WITH SWELLING AND CYSTS; VACUOLATING MEGALENCEPHALIC LEUKOENCEPHALOPATHY WITH SUBCORTICAL CYSTS. Identifiers: Orphanet 2478, MedGen C5779875, MONDO:0024555, OMIM 604004.

Allele frequency attached by ClinVar (database versions not stated): gnomAD 0.10778; gnomAD exomes 0.11020; TOPMed 0.12339; 1000 Genomes Project 30x 0.12898; 1000 Genomes Project 0.13059.
gnomAD v4.1: 18,585 of 152,836 alleles (12%); highest among the groups gnomAD compares: South Asian, 23%; 1,272 homozygotes.

Submissions (2):

Illumina Laboratory Services, Illumina
Classification: Benign for Megalencephalic leukoencephalopathy with subcortical cysts 1. Last evaluated: 2018-01-12. Review status: criteria provided, single submitter. Criteria: ICSL Variant Classification Criteria 13 December 2019. Collection method: clinical testing. Allele origin: germline.
Comment: This variant was observed in the ICSL laboratory as part of a predisposition screen in an ostensibly healthy population. It had not been previously curated by ICSL or reported in the Human Gene Mutation Database (HGMD: prior to June 1st, 2018), and was therefore a candidate for classification through an automated scoring system. Utilizing variant allele frequency, disease prevalence and penetrance estimates, and inheritance mode, an automated score was calculated to assess if this variant is too frequent to cause the disease. Based on the score and internal cut-off values, a variant classified as benign is not then subjected to further curation. The score for this variant resulted in a classification of benign for this disease.

Breakthrough Genomics
Classification: Benign. Review status: criteria provided, single submitter. Criteria: ACMG Guidelines, 2015. Collection method: not provided. Allele origin: germline. Inheritance: Autosomal recessive inheritance. Affected: yes.